The following is an entry in ClinVar:

ClinVar aggregate classification (germline): Uncertain significance (1 of 4 stars; one submission).

Allele frequency attached by ClinVar (database versions not stated): gnomAD exomes below 0.00001; TOPMed 0.00001.
gnomAD v4.1: 1 of 1,613,518 alleles (0.000062%); highest among the groups gnomAD compares: Non-Finnish European, 0.000085%; no homozygotes.

Submission:

Labcorp Genetics (formerly Invitae), Labcorp
Classification: Uncertain significance. Last evaluated: 2025-10-21. Review status: criteria provided, single submitter. Criteria: Invitae Variant Classification Sherloc (09022015). Collection method: clinical testing. Allele origin: germline.
Comment: This sequence change replaces leucine, which is neutral and non-polar, with phenylalanine, which is neutral and non-polar, at codon 1743 of the TUBGCP6 protein (p.Leu1743Phe). This variant is not present in population databases (gnomAD no frequency). This variant has not been reported in the literature in individuals affected with TUBGCP6-related conditions. ClinVar contains an entry for this variant (Variation ID: 1957588). An algorithm developed to predict the effect of missense changes on protein structure and function (PolyPhen-2) suggests that this variant is likely to be disruptive. In summary, the available evidence is currently insufficient to determine the role of this variant in disease. Therefore, it has been classified as a Variant of Uncertain Significance.

NM_020461.4(TUBGCP6):c.5227C>T (p.Leu1743Phe)

Gene: TUBGCP6 (tubulin gamma complex component 6; minus strand). Cytogenetic location: 22q13.33.
Variant type: single nucleotide variant.
Coding change: c.5227C>T on transcript NM_020461.4 (MANE Select); coding-DNA position 5227, C replaced by T.
Protein change: p.Leu1743Phe; replaces leucine 1743 with phenylalanine.
Molecular consequence: missense variant.
Genome position (GRCh38, 1-based): chr22:50,218,059, G>A on the plus strand (C>T on the coding strand, the complement: TUBGCP6 is on the minus strand). VCF-style: chr22-50218059-G-A. GRCh37 (hg19) VCF-style: chr22-50656488-G-A.
Other names: short protein forms L1743F.
Identifiers: ClinVar variation 1957588 (VCV001957588.3), dbSNP rs2064447187, ClinGen allele CA412163169.